The following is an entry in ClinVar:

ClinVar aggregate classification (germline): Benign/Likely benign. Review status: criteria provided, multiple submitters, no conflicts (2 of 4 stars). 3 submissions from 3 submitters: Benign (1); Likely benign (2). Last evaluated 2024-09-18.

Conditions:
Hereditary diffuse gastric adenocarcinoma (HDGC). Also called: DIFFUSE GASTRIC AND LOBULAR BREAST CANCER SYNDROME. Identifiers: Orphanet 26106, MedGen C1708349, MONDO:0007648, OMIM 137215.
Hereditary cancer-predisposing syndrome. Also called: Neoplastic Syndromes, Hereditary; Hereditary Cancer Syndrome; Hereditary neoplastic syndrome; Tumor predisposition. Identifiers: Orphanet 140162, MedGen C0027672, MeSH D009386, MONDO:0015356.

Submissions (3):

Myriad Genetics, Inc.
Classification: Benign for Hereditary diffuse gastric adenocarcinoma. Last evaluated: 2024-09-18. Review status: criteria provided, single submitter. Criteria: Myriad Autosomal Dominant, Autosomal Recessive and X-Linked Classification Criteria (2023). Collection method: clinical testing. Allele origin: unknown.
Comment: This variant is considered benign. This variant is a silent/synonymous amino acid change and it is not expected to impact splicing.

Ambry Genetics
Classification: Likely benign for Hereditary cancer-predisposing syndrome. Last evaluated: 2022-10-28. Review status: criteria provided, single submitter. Criteria: Ambry Variant Classification Scheme 2023. Collection method: clinical testing. Allele origin: germline.

Labcorp Genetics (formerly Invitae), Labcorp
Classification: Likely benign for Hereditary diffuse gastric adenocarcinoma. Last evaluated: 2020-07-20. Review status: criteria provided, single submitter. Criteria: Invitae Variant Classification Sherloc (09022015). Collection method: clinical testing. Allele origin: germline.

NM_004360.5(CDH1):c.1317A>G (p.Ala439=)

Gene: CDH1 (cadherin 1; plus strand). Cytogenetic location: 16q22.1.
Variant type: single nucleotide variant.
Coding change: c.1317A>G on transcript NM_004360.5 (MANE Select); coding-DNA position 1317, A replaced by G.
Protein change: p.Ala439=; no amino-acid change (alanine 439 retained).
Molecular consequence: synonymous variant. On other transcripts: 5 prime UTR variant (2), intron variant (1).
Genome position (GRCh38, 1-based): chr16:68,813,492, A>G. VCF-style: chr16-68813492-A-G. GRCh37 (hg19) VCF-style: chr16-68847395-A-G.
Other names: c.-299A>G (NM_001317185.2); c.-503A>G (NM_001317186.2); c.1137+1229A>G (NM_001317184.2).
Identifiers: ClinVar variation 1156173 (VCV001156173.12), dbSNP rs2152133668, ClinGen allele CA496393194.